The following is an entry in ClinVar:

ClinVar aggregate classification (germline): Likely pathogenic (1 of 4 stars; one submission).

Conditions:
Hyper-IgE recurrent infection syndrome 3, autosomal recessive. Also called: Autosomal recessive hyper-IgE syndrome due to ZNF341 deficiency; HYPER-IgE SYNDROME 3, AUTOSOMAL RECESSIVE, WITH RECURRENT INFECTIONS. Identifiers: Orphanet 641368, MedGen C4748969, MONDO:0032654, OMIM 618282.

Submission:

Labcorp Genetics (formerly Invitae), Labcorp
Classification: Likely pathogenic for Combined immunodeficiency due to DOCK8 deficiency. Last evaluated: 2023-12-21. Review status: criteria provided, single submitter. Criteria: Invitae Variant Classification Sherloc (09022015). Collection method: clinical testing. Allele origin: germline.
Comment: This variant results in a copy number gain of the genomic region encompassing exon(s) 17-35 of the DOCK8 gene. While the exact position of this variant cannot be determined from the data, sub-genic copy number gains are generally in tandem (PMID: 25640679). This variant is predicted to be out-of-frame, and may result in an absent or disrupted protein product. Loss-of-function variants in DOCK8 are known to be pathogenic (PMID: 14722525, 19776401). This variant has not been reported in the literature in individuals affected with DOCK8-related conditions. In summary, the currently available evidence indicates that the variant is pathogenic, but additional data are needed to prove that conclusively. Therefore, this variant has been classified as Likely Pathogenic.

Literature cited by the submitters: PubMed 25640679; PubMed 14722525; PubMed 19776401.

NC_000009.11:g.(?_371408)_(428516_?)dup

Gene: DOCK8 (dedicator of cytokinesis 8; plus strand). Cytogenetic location: 9p24.3.
Variant type: Duplication.
Identifiers: ClinVar variation 1349565 (VCV001349565.8).